The following is an entry in ClinVar:

ClinVar aggregate classification (germline): Uncertain significance (1 of 4 stars; one submission).

gnomAD v4.1: 1 of 1,613,922 alleles (0.000062%); highest among the groups gnomAD compares: South Asian, 0.0011%; no homozygotes.

Submission:

GeneDx
Classification: Uncertain significance. Last evaluated: 2025-03-14. Review status: criteria provided, single submitter. Criteria: GeneDx Variant Classification Process June 2021. Collection method: clinical testing. Allele origin: germline. Affected: yes.
Comment: Not observed at significant frequency in large population cohorts (gnomAD); In silico analysis supports that this missense variant has a deleterious effect on protein structure/function; Has not been previously published as pathogenic or benign to our knowledge

NM_001372.4(DNAH9):c.8537T>G (p.Val2846Gly)

Gene: DNAH9 (dynein axonemal heavy chain 9; plus strand). Cytogenetic location: 17p12.
Variant type: single nucleotide variant.
Coding change: c.8537T>G on transcript NM_001372.4 (MANE Select); coding-DNA position 8537, T replaced by G.
Protein change: p.Val2846Gly; replaces valine 2846 with glycine.
Molecular consequence: missense variant.
Genome position (GRCh38, 1-based): chr17:11,807,848, T>G. VCF-style: chr17-11807848-T-G. GRCh37 (hg19) VCF-style: chr17-11711165-T-G.
Other names: short protein forms V2846G.
Identifiers: ClinVar variation 4083335 (VCV004083335.1).